The following is an entry in ClinVar:

NM_020791.4(TAOK1):c.2714C>G (p.Pro905Arg)

Gene: TAOK1 (TAO kinase 1; plus strand). Cytogenetic location: 17q11.2.
Variant type: single nucleotide variant.
Coding change: c.2714C>G on transcript NM_020791.4 (MANE Select); coding-DNA position 2714, C replaced by G.
Protein change: p.Pro905Arg; replaces proline 905 with arginine.
Molecular consequence: missense variant.
Genome position (GRCh38, 1-based): chr17:29,542,730, C>G. VCF-style: chr17-29542730-C-G. GRCh37 (hg19) VCF-style: chr17-27869748-C-G.
Other names: c.2270C>G, p.Pro757Arg (NM_025142.1); short protein forms P757R, P905R.
Identifiers: ClinVar variation 5037233 (VCV005037233.1).

ClinVar aggregate classification (germline): Uncertain significance (1 of 4 stars; one submission).

Submission:

GeneDx
Classification: Uncertain significance. Last evaluated: 2026-04-14. Review status: criteria provided, single submitter. Criteria: GeneDx Variant Classification Process June 2021. Collection method: clinical testing. Allele origin: germline.
Comment: Has not been previously published as pathogenic or benign to our knowledge; Not observed at significant frequency in large population cohorts (gnomAD); In silico analysis supports that this missense variant has a deleterious effect on protein structure/function